The following is an entry in ClinVar:

NM_020207.7(ERCC6L2):c.227A>G (p.Lys76Arg)

Gene: ERCC6L2 (ERCC excision repair 6 like 2; plus strand). Cytogenetic location: 9q22.32.
Variant type: single nucleotide variant.
Coding change: c.227A>G on transcript NM_020207.7 (MANE Select); coding-DNA position 227, A replaced by G.
Protein change: p.Lys76Arg; replaces lysine 76 with arginine.
Molecular consequence: missense variant. On other transcripts: non-coding transcript variant (1).
Genome position (GRCh38, 1-based): chr9:95,881,049, A>G. VCF-style: chr9-95881049-A-G. GRCh37 (hg19) VCF-style: chr9-98643331-A-G.
Other names: c.227A>G, p.Lys76Arg (NM_001010895.4, NM_001375291.1, NM_001375292.1 and 2 more transcripts); short protein forms K76R.
Identifiers: ClinVar variation 3845902 (VCV003845902.1).

ClinVar aggregate classification (germline): Uncertain significance (1 of 4 stars; one submission).

Conditions:
Inborn genetic diseases. Identifiers: MedGen C0950123, MeSH D030342.

gnomAD v4.1: 1 of 1,614,006 alleles (0.000062%); highest among the groups gnomAD compares: South Asian, 0.0011%; no homozygotes.

Submission:

Ambry Genetics
Classification: Uncertain significance for Inborn genetic diseases. Last evaluated: 2025-01-30. Review status: criteria provided, single submitter. Criteria: Ambry Variant Classification Scheme 2023. Collection method: clinical testing. Allele origin: germline.
Comment: The p.K76R variant (also known as c.227A>G), located in coding exon 2 of the ERCC6L2 gene, results from an A to G substitution at nucleotide position 227. The lysine at codon 76 is replaced by arginine, an amino acid with highly similar properties. This amino acid position is conserved. In addition, this alteration is predicted to be tolerated by in silico analysis. Based on the available evidence, the clinical significance of this variant remains unclear.